The following is an entry in ClinVar:

NM_001447.3(FAT2):c.2530A>G (p.Thr844Ala)

Gene: FAT2 (FAT atypical cadherin 2; minus strand). Cytogenetic location: 5q33.1.
Variant type: single nucleotide variant.
Coding change: c.2530A>G on transcript NM_001447.3 (MANE Select); coding-DNA position 2530, A replaced by G.
Protein change: p.Thr844Ala; replaces threonine 844 with alanine.
Molecular consequence: missense variant.
Genome position (GRCh38, 1-based): chr5:151,566,402, T>C on the plus strand (A>G on the coding strand, the complement: FAT2 is on the minus strand). VCF-style: chr5-151566402-T-C. GRCh37 (hg19) VCF-style: chr5-150945963-T-C.
Other names: short protein forms T844A.
Identifiers: ClinVar variation 2369793 (VCV002369793.5), dbSNP rs146619612, ClinGen allele CA3522052.

ClinVar aggregate classification (germline): Conflicting classifications of pathogenicity. Review status: criteria provided, conflicting classifications (1 of 4 stars). 2 submissions from 2 submitters: Uncertain significance (1); Likely benign (1). Last evaluated 2025-09-05.

Allele frequency attached by ClinVar (database versions not stated): ESP Exome Variant Server 0.00008; ExAC 0.00017; gnomAD 0.00008; TOPMed 0.00011; gnomAD exomes 0.00017.
gnomAD v4.1: 250 of 1,613,772 alleles (0.015%); highest among the groups gnomAD compares: Non-Finnish European, 0.02%; no homozygotes.

Submissions (2):

Labcorp Genetics (formerly Invitae), Labcorp
Classification: Uncertain significance. Last evaluated: 2025-09-05. Review status: criteria provided, single submitter. Criteria: Invitae Variant Classification Sherloc (09022015). Collection method: clinical testing. Allele origin: germline.
Comment: This sequence change replaces threonine, which is neutral and polar, with alanine, which is neutral and non-polar, at codon 844 of the FAT2 protein (p.Thr844Ala). This variant is present in population databases (rs146619612, gnomAD 0.02%). This variant has not been reported in the literature in individuals affected with FAT2-related conditions. ClinVar contains an entry for this variant (Variation ID: 2369793). An algorithm developed to predict the effect of missense changes on protein structure and function outputs the following: PolyPhen-2: "Benign". The alanine amino acid residue is found in multiple mammalian species, which suggests that this missense change does not adversely affect protein function. In summary, the available evidence is currently insufficient to determine the role of this variant in disease. Therefore, it has been classified as a Variant of Uncertain Significance.

Ambry Genetics
Classification: Likely benign. Last evaluated: 2022-08-11. Review status: criteria provided, single submitter. Criteria: Ambry Variant Classification Scheme 2023. Collection method: clinical testing. Allele origin: germline.